The following is an entry in ClinVar:

ClinVar aggregate classification (germline): Likely pathogenic (1 of 4 stars; one submission).

Conditions:
Breast-ovarian cancer, familial, susceptibility to, 1 (BROVCA1). Also called: BRCA1 Hereditary Breast and Ovarian Cancer; OVARIAN CANCER, SUSCEPTIBILITY TO. Identifiers: Orphanet 145, MedGen C2676676, MONDO:0011450, OMIM 604370. Disease mechanism: loss of function.

Submission:

KCCC/NGS Laboratory, Kuwait Cancer Control Center
Classification: Likely pathogenic for Breast-ovarian cancer, familial, susceptibility to, 1. Last evaluated: 2024-11-03. Review status: criteria provided, single submitter. Criteria: ACMG Guidelines, 2015. Collection method: clinical testing. Allele origin: germline. Inheritance: Autosomal dominant inheritance. Affected: yes. Observed: 1 heterozygote.
Comment: A novel likely pathogenic mutation was detected in BRCA1 gene (c.2043_2044insTT) . The c.2043_2044insTT located in coding exon 10 of the BRCA1 gene. This sequence change creates a premature translational stop signal p. (Asn682LeufsTer20) in the BRCA1 gene. It is expected to result in an absent or disrupted protein product. This variant is not present in population databases (gnomAD no frequency). This variant has not been observed in BRCA1 related diseases and not reported ClinVar database . Loss-of-function variants in BRCA1 are known to be pathogenic (PMID: 20104584). Therefore, this variant has been classified as likely pathogenic .

NM_007294.4(BRCA1):c.2043_2044insTT (p.Asn682fs)

Gene: BRCA1 (BRCA1 DNA repair associated; minus strand). Cytogenetic location: 17q21.31.
Variant type: Insertion.
Coding change: c.2043_2044insTT on transcript NM_007294.4 (MANE Select); coding-DNA positions 2043 to 2044, TT inserted.
Protein change: p.Asn682fs; shifts the reading frame from asparagine 682.
Molecular consequence: frameshift variant. On other transcripts: intron variant (137).
Genome position: GRCh38 VCF-style: chr17-43093487-T-TAA. GRCh37 (hg19) VCF-style: chr17-41245504-T-TAA.
Other names: c.1155_1156insTT, p.Asn386fs (NM_001407966.1, NM_001407967.1); c.1902_1903insTT, p.Asn635fs (NM_007297.4, NM_001407942.1, NM_001407944.1 and 29 more transcripts); c.2043_2044insTT, p.Asn682fs (NM_007300.4, NM_001407639.1, NM_001407640.1 and 30 more transcripts); c.646+1256_646+1257insTT (NM_001408458.1, NM_001408469.1, NM_001408453.1 and 11 more transcripts); c.283+1256_283+1257insTT (NM_001408512.1); c.406+1256_406+1257insTT (NM_001408510.1); c.643+1256_643+1257insTT (NM_001408470.1, NM_001408464.1, NM_001408468.1 and 3 more transcripts); c.784+1256_784+1257insTT (NM_001408397.1, NM_001408401.1, NM_001408396.1 and 13 more transcripts); and 40 more; short protein forms N386fs, N514fs, N554fs, N555fs, N570fs, N571fs, N593fs, N594fs.
Identifiers: ClinVar variation 3370458 (VCV003370458.2).